The following is an entry in ClinVar:

ClinVar aggregate classification (germline): Uncertain significance. Review status: criteria provided, multiple submitters, no conflicts (2 of 4 stars). 5 submissions from 5 submitters: Uncertain significance (5). Last evaluated 2025-09-23.

Conditions:
Hereditary cancer-predisposing syndrome. Also called: Neoplastic Syndromes, Hereditary; Tumor predisposition; Hereditary neoplastic syndrome; Hereditary Cancer Syndrome. Identifiers: Orphanet 140162, MedGen C0027672, MeSH D009386, MONDO:0015356.
Hereditary nonpolyposis colorectal neoplasms. Identifiers: MedGen C0009405, MeSH D003123.

Allele frequency attached by ClinVar (database versions not stated): gnomAD exomes below 0.00001.
gnomAD v4.1: 2 of 1,614,144 alleles (0.00012%); highest among the groups gnomAD compares: Non-Finnish European, 0.00017%; no homozygotes.

Submissions (5):

Labcorp Genetics (formerly Invitae), Labcorp
Classification: Uncertain significance for Hereditary nonpolyposis colorectal neoplasms. Last evaluated: 2025-09-23. Review status: criteria provided, single submitter. Criteria: Invitae Variant Classification Sherloc (09022015). Collection method: clinical testing. Allele origin: germline.
Comment: This sequence change replaces valine, which is neutral and non-polar, with isoleucine, which is neutral and non-polar, at codon 592 of the MSH6 protein (p.Val592Ile). This variant is not present in population databases (gnomAD no frequency). This missense change has been observed in individual(s) with MSH6-related conditions (PMID: 35402282, 36091175). ClinVar contains an entry for this variant (Variation ID: 628131). Invitae Evidence Modeling of protein sequence and biophysical properties (such as structural, functional, and spatial information, amino acid conservation, physicochemical variation, residue mobility, and thermodynamic stability) indicates that this missense variant is not expected to disrupt MSH6 protein function with a negative predictive value of 95%. In summary, the available evidence is currently insufficient to determine the role of this variant in disease. Therefore, it has been classified as a Variant of Uncertain Significance.

Color Diagnostics, LLC DBA Color Health
Classification: Uncertain significance for Hereditary cancer-predisposing syndrome. Last evaluated: 2025-06-30. Review status: criteria provided, single submitter. Criteria: ACMG Guidelines, 2015. Collection method: clinical testing. Allele origin: germline.
Comment: This missense variant replaces valine with isoleucine at codon 592 of the MSH6 protein. Computational prediction suggests that this variant may not impact protein structure and function. To our knowledge, functional studies have not been reported for this variant. This variant has been reported in an individual affected with endometrial cancer (PMID: 36091175) and an individual with breast cancer (PMID: 35402282). This variant has not been identified in the general population by the Genome Aggregation Database (gnomAD). The available evidence is insufficient to determine the role of this variant in disease conclusively. Therefore, this variant is classified as a Variant of Uncertain Significance.

Ambry Genetics
Classification: Uncertain significance for Hereditary cancer-predisposing syndrome. Last evaluated: 2024-02-15. Review status: criteria provided, single submitter. Criteria: Ambry Variant Classification Scheme 2023. Collection method: clinical testing. Allele origin: germline.
Comment: The p.V592I variant (also known as c.1774G>A), located in coding exon 4 of the MSH6 gene, results from a G to A substitution at nucleotide position 1774. The valine at codon 592 is replaced by isoleucine, an amino acid with highly similar properties. This alteration was detected in 1/1197 patients with breast cancer who underwent genetic testing (Abdel-Razeq H et al. Front Oncol, 2022 Mar;12:673094). This amino acid position is not well conserved in available vertebrate species. In addition, this alteration is predicted to be tolerated by in silico analysis. Based on the available evidence, the clinical significance of this alteration remains unclear.

Sema4
Classification: Uncertain significance for Hereditary cancer-predisposing syndrome. Last evaluated: 2021-11-01. Review status: criteria provided, single submitter. Criteria: Sema4 Curation Guidelines. Collection method: curation. Allele origin: germline.
Comment: The MSH6 c.1774G>A (p.V592I) variant has not been reported in the literature to our knowledge. This variant was not observed in the large and broad cohorts of the Genome Aggregation Database (PMID: 32461654). This variant has been reported in ClinVar (Variation ID 628131). Functional studies have not been performed, and in silico predictions of the variant's effect on protein function are inconclusive. Based on the current evidence available, this variant is interpreted as a variant of uncertain significance.

Women's Health and Genetics/Laboratory Corporation of America, LabCorp
Classification: Uncertain significance. Last evaluated: 2019-06-06. Review status: criteria provided, single submitter. Criteria: LabCorp Variant Classification Summary - May 2015. Collection method: clinical testing. Allele origin: germline.
Comment: Variant summary: MSH6 c.1774G>A (p.Val592Ile) results in a conservative amino acid change in the encoded protein sequence. Four of five in-silico tools predict a benign effect of the variant on protein function. The variant was absent in 250290 control chromosomes. The available data on variant occurrences in the general population are insufficient to allow any conclusion about variant significance. To our knowledge, no occurrence of c.1774G>A in individuals affected with Lynch Syndrome and no experimental evidence demonstrating its impact on protein function have been reported. One clinical diagnostic laboratory has submitted clinical-significance assessments for this variant to ClinVar after 2014 without evidence for independent evaluation and classified the variant as uncertain significance. Based on the evidence outlined above, the variant was classified as uncertain significance.

Literature cited by the submitters: PubMed 35402282 (cited by 3 submitters); PubMed 36091175 (cited by Labcorp Genetics (formerly Invitae), Labcorp and Color Diagnostics, LLC DBA Color Health).

NM_000179.3(MSH6):c.1774G>A (p.Val592Ile)

Gene: MSH6 (mutS homolog 6; plus strand). Cytogenetic location: 2p16.3.
Variant type: single nucleotide variant.
Coding change: c.1774G>A on transcript NM_000179.3 (MANE Select); coding-DNA position 1774, G replaced by A.
Protein change: p.Val592Ile; replaces valine 592 with isoleucine.
Molecular consequence: missense variant.
Genome position (GRCh38, 1-based): chr2:47,799,757, G>A. VCF-style: chr2-47799757-G-A. GRCh37 (hg19) VCF-style: chr2-48026896-G-A.
Other names: c.1384G>A, p.Val462Ile (NM_001281492.2); c.868G>A, p.Val290Ile (NM_001281493.2, NM_001281494.2); short protein forms V592I, V290I, V462I.
Identifiers: ClinVar variation 628131 (VCV000628131.17), dbSNP rs1558662912, ClinGen allele CA346749169.